The following is an entry in ClinVar:

ClinVar aggregate classification (germline): Benign/Likely benign. Review status: criteria provided, multiple submitters, no conflicts (2 of 4 stars). 4 submissions from 3 submitters: Benign (1); Likely benign (3). Last evaluated 2026-01-21.

Conditions:
Isolated microphthalmia 5. Also called: Posterior Microphthalmia with Retinitis Pigmentosa, Foveoschisis, and Optic Disc Drusen. Identifiers: Orphanet 251279, MedGen C1970236, MONDO:0012605, OMIM 611040.
Late-onset retinal degeneration (LORD). Also called: RETINAL DEGENERATION, LATE-ONSET, AUTOSOMAL DOMINANT. Identifiers: Orphanet 67042, MedGen C1854065, MONDO:0011579, OMIM 605670. Disease mechanism: loss of function.

Allele frequency attached by ClinVar (database versions not stated): TOPMed 0.00217; 1000 Genomes Project 30x 0.00219; gnomAD exomes 0.00064; ExAC 0.00093; gnomAD 0.00187 and 0.00174; ESP Exome Variant Server 0.00239; 1000 Genomes Project 0.00180.
gnomAD v4.1: 781 of 1,607,512 alleles (0.049%); highest among the groups gnomAD compares: African/African-American, 0.73%; 4 homozygotes.

Submissions (4):

Labcorp Genetics (formerly Invitae), Labcorp
Classification: Benign for Isolated microphthalmia 5. Last evaluated: 2026-01-21. Review status: criteria provided, single submitter. Criteria: Invitae Variant Classification Sherloc (09022015). Collection method: clinical testing. Allele origin: germline.

Blueprint Genetics
Classification: Likely benign. Last evaluated: 2024-11-26. Review status: criteria provided, single submitter. Criteria: ACMG Guidelines, 2015. Collection method: clinical testing. Allele origin: germline.

Illumina Laboratory Services, Illumina
Classification: Likely benign for Late-onset retinal degeneration. Last evaluated: 2018-01-13. Review status: criteria provided, single submitter. Criteria: ICSL Variant Classification Criteria 13 December 2019. Collection method: clinical testing. Allele origin: germline.
Comment: This variant was observed in the ICSL laboratory as part of a predisposition screen in an ostensibly healthy population. It had not been previously curated by ICSL or reported in the Human Gene Mutation Database (HGMD: prior to June 1st, 2018), and was therefore a candidate for classification through an automated scoring system. Utilizing variant allele frequency, disease prevalence and penetrance estimates, and inheritance mode, an automated score was calculated to assess if this variant is too frequent to cause the disease. Based on the score and internal cut-off values, a variant classified as likely benign is not then subjected to further curation. The score for this variant resulted in a classification of likely benign for this disease.

Illumina Laboratory Services, Illumina
Classification: Likely benign for Isolated microphthalmia 5. Last evaluated: 2017-04-27. Review status: criteria provided, single submitter. Criteria: ICSL Variant Classification Criteria 13 December 2019. Collection method: clinical testing. Allele origin: germline.
Comment: This variant was observed as part of a predisposition screen in an ostensibly healthy population. A literature search was performed for the gene, cDNA change, and amino acid change (where applicable). Publications were found based on this search. The evidence from the literature, in combination with allele frequency data from public databases where available, was sufficient to determine this variant is unlikely to cause disease. Therefore, this variant is classified as likely benign.

Literature cited by the submitters: PubMed 19169412 (cited by Illumina Laboratory Services, Illumina).

NM_031433.4(MFRP):c.669G>A (p.Thr223=)

Genes: C1QTNF5 (C1q and TNF related 5; minus strand), MFRP (membrane frizzled-related protein; minus strand). Cytogenetic location: 11q23.3.
Variant type: single nucleotide variant.
Coding change: c.669G>A on transcript NM_031433.4 (MANE Select); coding-DNA position 669, G replaced by A.
Protein change: p.Thr223=; no amino-acid change (threonine 223 retained).
Molecular consequence: synonymous variant. On other transcripts: 5 prime UTR variant (1).
Genome position (GRCh38, 1-based): chr11:119,344,977, C>T on the plus strand (G>A on the coding strand, the complement: MFRP is on the minus strand). VCF-style: chr11-119344977-C-T. GRCh37 (hg19) VCF-style: chr11-119215687-C-T.
Other names: c.-1968G>A (NM_015645.5).
Identifiers: ClinVar variation 771589 (VCV000771589.17), dbSNP rs139222274, ClinGen allele CA6320449.
Genomic context (GRCh38, chr11:119,344,977, plus strand): 5'-TCCTTCCACACTGCTGTCAGAGACGAAGACCACCAGGAGGTGGCTGGCATTGGTGTTGAG[C>T]GTGGGGGGAGGCACCCTTCCACAAACCCTGCAAGAAGCCAGGTTGGGGGTGAGGGAGGCT-3'
Protein context (NP_113621.1, residues 213-233): LRVCGRVPPP[Thr223=]LNTNASHLLV